The following is an entry in ClinVar:

NM_006005.3(WFS1):c.778C>T (p.Pro260Ser)

Gene: WFS1 (wolframin ER transmembrane glycoprotein; plus strand). Cytogenetic location: 4p16.1.
Variant type: single nucleotide variant.
Coding change: c.778C>T on transcript NM_006005.3 (MANE Select); coding-DNA position 778, C replaced by T.
Protein change: p.Pro260Ser; replaces proline 260 with serine.
Molecular consequence: missense variant.
Genome position (GRCh38, 1-based): chr4:6,295,106, C>T. VCF-style: chr4-6295106-C-T. GRCh37 (hg19) VCF-style: chr4-6296833-C-T.
Other names: c.778C>T, p.Pro260Ser (NM_001145853.1); short protein forms P260S.
Identifiers: ClinVar variation 3612029 (VCV003612029.2).

ClinVar aggregate classification (germline): Uncertain significance (1 of 4 stars; one submission).

gnomAD v4.1: 1 of 1,613,498 alleles (0.000062%); highest among the groups gnomAD compares: Non-Finnish European, 0.000085%; no homozygotes.

Submission:

Labcorp Genetics (formerly Invitae), Labcorp
Classification: Uncertain significance. Last evaluated: 2024-05-20. Review status: criteria provided, single submitter. Criteria: Invitae Variant Classification Sherloc (09022015). Collection method: clinical testing. Allele origin: germline.
Comment: This sequence change replaces proline, which is neutral and non-polar, with serine, which is neutral and polar, at codon 260 of the WFS1 protein (p.Pro260Ser). This variant is not present in population databases (gnomAD no frequency). This variant has not been reported in the literature in individuals affected with WFS1-related conditions. Advanced modeling of protein sequence and biophysical properties (such as structural, functional, and spatial information, amino acid conservation, physicochemical variation, residue mobility, and thermodynamic stability) has been performed at Invitae for this missense variant, however the output from this modeling did not meet the statistical confidence thresholds required to predict the impact of this variant on WFS1 protein function. In summary, the available evidence is currently insufficient to determine the role of this variant in disease. Therefore, it has been classified as a Variant of Uncertain Significance.